The following is an entry in ClinVar:

NM_001690.4(ATP6V1A):c.954G>T (p.Met318Ile)

Gene: ATP6V1A (ATPase H+ transporting V1 subunit A; plus strand). Cytogenetic location: 3q13.31.
Variant type: single nucleotide variant.
Coding change: c.954G>T on transcript NM_001690.4 (MANE Select); coding-DNA position 954, G replaced by T.
Protein change: p.Met318Ile; replaces methionine 318 with isoleucine.
Molecular consequence: missense variant.
Genome position (GRCh38, 1-based): chr3:113,789,806, G>T. VCF-style: chr3-113789806-G-T. GRCh37 (hg19) VCF-style: chr3-113508653-G-T.
Other names: short protein forms M318I.
Identifiers: ClinVar variation 4690191 (VCV004690191.2).

ClinVar aggregate classification (germline): Pathogenic (1 of 4 stars; one submission).

Submission:

GeneDx
Classification: Pathogenic. Last evaluated: 2026-02-24. Review status: criteria provided, single submitter. Criteria: GeneDx Variant Classification Process June 2021. Collection method: clinical testing. Allele origin: germline.
Comment: Not observed at significant frequency in large population cohorts (gnomAD); In silico analysis supports that this missense variant has a deleterious effect on protein structure/function; Has not been previously published as pathogenic or benign to our knowledge